The following is an entry in ClinVar:

NM_000138.5(FBN1):c.4416_4422delinsGAACTG (p.Cys1472fs)

Gene: FBN1 (fibrillin 1; minus strand). Cytogenetic location: 15q21.1.
Variant type: Indel.
Coding change: c.4416_4422delinsGAACTG on transcript NM_000138.5 (MANE Select); coding-DNA positions 4416 to 4422, TGAGATA replaced by GAACTG.
Protein change: p.Cys1472fs; shifts the reading frame from cysteine 1472.
Molecular consequence: frameshift variant.
Genome position (GRCh38, 1-based): chr15:48,470,671-48,470,677, TATCTCA replaced by CAGTTC on the plus strand (TGAGATA replaced by GAACTG on the coding strand, the reverse complement: FBN1 is on the minus strand). VCF-style: chr15-48470671-TATCTCA-CAGTTC. GRCh37 (hg19) VCF-style: chr15-48762868-TATCTCA-CAGTTC.
Other names: c.4416_4422delinsGAACTG, p.Cys1472fs (NM_001406716.1); short protein forms C1472fs.
Identifiers: ClinVar variation 3230418 (VCV003230418.1), dbSNP rs2505508421, ClinGen allele CA2825002285.

ClinVar aggregate classification (germline): Pathogenic (1 of 4 stars; one submission).

Conditions:
Familial thoracic aortic aneurysm and aortic dissection (TAAD). Also called: Thoracic aortic aneurysms and dissections. Identifiers: Orphanet 91387, MedGen C4707243, MONDO:0019625.

Submission:

Ambry Genetics
Classification: Pathogenic for Familial thoracic aortic aneurysm and aortic dissection. Last evaluated: 2024-02-02. Review status: criteria provided, single submitter. Criteria: Ambry Variant Classification Scheme 2023. Collection method: clinical testing. Allele origin: germline.
Comment: The c.4416_4422delTGAGATAinsGAACTG pathogenic mutation, located in coding exon 35 of the FBN1 gene, results from the deletion of 7 nucleotides and insertion of 6 nucleotides causing a translational frameshift with a predicted alternate stop codon (p.C1472Wfs*17). This variant is considered to be rare based on population cohorts in the Genome Aggregation Database (gnomAD). This alteration is expected to result in loss of function by premature protein truncation or nonsense-mediated mRNA decay. As such, this alteration is interpreted as a disease-causing mutation.